The following is an entry in ClinVar:

ClinVar aggregate classification (germline): Uncertain significance (1 of 4 stars; one submission).

Allele frequency attached by ClinVar (database versions not stated): gnomAD exomes below 0.00001 and 0.00001.
gnomAD v4.1: 8 of 1,613,946 alleles (0.0005%); highest among the groups gnomAD compares: Non-Finnish European, 0.000085%; no homozygotes.

Submission:

Labcorp Genetics (formerly Invitae), Labcorp
Classification: Uncertain significance. Last evaluated: 2021-10-07. Review status: criteria provided, single submitter. Criteria: Invitae Variant Classification Sherloc (09022015). Collection method: clinical testing. Allele origin: germline.
Comment: Algorithms developed to predict the effect of missense changes on protein structure and function output the following: SIFT: "Tolerated"; PolyPhen-2: "Benign"; Align-GVGD: "Class C0". The asparagine amino acid residue is found in multiple mammalian species, which suggests that this missense change does not adversely affect protein function. This variant has not been reported in the literature in individuals affected with MSH3-related conditions. This variant is not present in population databases (ExAC no frequency). This sequence change replaces aspartic acid with asparagine at codon 1037 of the MSH3 protein (p.Asp1037Asn). The aspartic acid residue is moderately conserved and there is a small physicochemical difference between aspartic acid and asparagine. In summary, the available evidence is currently insufficient to determine the role of this variant in disease. Therefore, it has been classified as a Variant of Uncertain Significance.

NM_002439.5(MSH3):c.3109G>A (p.Asp1037Asn)

Gene: MSH3 (mutS homolog 3; plus strand). Cytogenetic location: 5q14.1.
Variant type: single nucleotide variant.
Coding change: c.3109G>A on transcript NM_002439.5 (MANE Select); coding-DNA position 3109, G replaced by A.
Protein change: p.Asp1037Asn; replaces aspartic acid 1037 with asparagine.
Molecular consequence: missense variant.
Genome position (GRCh38, 1-based): chr5:80,864,921, G>A. VCF-style: chr5-80864921-G-A. GRCh37 (hg19) VCF-style: chr5-80160740-G-A.
Other names: short protein forms D1037N.
Identifiers: ClinVar variation 1419570 (VCV001419570.6), dbSNP rs1344576103, ClinGen allele CA360346430.